The following is an entry in ClinVar:

ClinVar aggregate classification (germline): Likely benign (1 of 4 stars; one submission).

Conditions:
Retinitis pigmentosa (RP). Identifiers: Orphanet 791, MedGen C0035334, MeSH D012174, MONDO:0019200, OMIM 268000. Inheritance: Autosomal dominant, autosomal recessive and X linked inheritance.

Allele frequency attached by ClinVar (database versions not stated): gnomAD exomes 0.00201; gnomAD 0.01713 and 0.01826; TOPMed 0.01971; 1000 Genomes Project 0.02236; 1000 Genomes Project 30x 0.02405.
gnomAD v4.1: 3,557 of 597,690 alleles (0.6%); highest among the groups gnomAD compares: African/African-American, 5.9%; 94 homozygotes.

Submission:

Illumina Laboratory Services, Illumina
Classification: Likely benign for Retinitis pigmentosa. Last evaluated: 2018-01-13. Review status: criteria provided, single submitter. Criteria: ICSL Variant Classification Criteria 13 December 2019. Collection method: clinical testing. Allele origin: germline.
Comment: This variant was observed in the ICSL laboratory as part of a predisposition screen in an ostensibly healthy population. It had not been previously curated by ICSL or reported in the Human Gene Mutation Database (HGMD: prior to June 1st, 2018), and was therefore a candidate for classification through an automated scoring system. Utilizing variant allele frequency, disease prevalence and penetrance estimates, and inheritance mode, an automated score was calculated to assess if this variant is too frequent to cause the disease. Based on the score and internal cut-off values, a variant classified as likely benign is not then subjected to further curation. The score for this variant resulted in a classification of likely benign for this disease.

NM_001297.5(CNGB1):c.*244A>G

Gene: CNGB1 (cyclic nucleotide gated channel subunit beta 1; minus strand). Cytogenetic location: 16q21.
Variant type: single nucleotide variant.
Coding change: c.*244A>G on transcript NM_001297.5 (MANE Select); 244 bases downstream of the stop codon, A replaced by G.
Molecular consequence: 3 prime UTR variant.
Genome position (GRCh38, 1-based): chr16:57,883,920, T>C on the plus strand (A>G on the coding strand, the complement: CNGB1 is on the minus strand). VCF-style: chr16-57883920-T-C. GRCh37 (hg19) VCF-style: chr16-57917824-T-C.
Other names: c.*244A>G (NM_001286130.2).
Identifiers: ClinVar variation 320048 (VCV000320048.5), dbSNP rs112033454, ClinGen allele CA10648685.